The following is an entry in ClinVar:

ClinVar aggregate classification (germline): Uncertain significance (1 of 4 stars; one submission).

Conditions:
Mendelian susceptibility to mycobacterial diseases due to complete IL12RB1 deficiency. Also called: IL12RB1 DEFICIENCY; Immunodeficiency 30. Identifiers: Orphanet 319552, MedGen C4013949, MONDO:0013955, OMIM 614891.

Allele frequency attached by ClinVar (database versions not stated): gnomAD exomes 0.00001; TOPMed 0.00001.
gnomAD v4.1: 12 of 1,610,906 alleles (0.00074%); highest among the groups gnomAD compares: Non-Finnish European, 0.001%; no homozygotes.

Submission:

Labcorp Genetics (formerly Invitae), Labcorp
Classification: Uncertain significance for Mendelian susceptibility to mycobacterial diseases due to complete IL12RB1 deficiency. Last evaluated: 2022-02-14. Review status: criteria provided, single submitter. Criteria: Invitae Variant Classification Sherloc (09022015). Collection method: clinical testing. Allele origin: germline.
Comment: This sequence change replaces histidine, which is basic and polar, with arginine, which is basic and polar, at codon 457 of the IL12RB1 protein (p.His457Arg). This variant is not present in population databases (gnomAD no frequency). This variant has not been reported in the literature in individuals affected with IL12RB1-related conditions. ClinVar contains an entry for this variant (Variation ID: 838903). Algorithms developed to predict the effect of missense changes on protein structure and function (SIFT, PolyPhen-2, Align-GVGD) all suggest that this variant is likely to be tolerated. In summary, the available evidence is currently insufficient to determine the role of this variant in disease. Therefore, it has been classified as a Variant of Uncertain Significance.

NM_005535.3(IL12RB1):c.1370A>G (p.His457Arg)

Gene: IL12RB1 (interleukin 12 receptor subunit beta 1; minus strand). Cytogenetic location: 19p13.11.
Variant type: single nucleotide variant.
Coding change: c.1370A>G on transcript NM_005535.3 (MANE Select); coding-DNA position 1370, A replaced by G.
Protein change: p.His457Arg; replaces histidine 457 with arginine.
Molecular consequence: missense variant.
Genome position (GRCh38, 1-based): chr19:18,066,655, T>C on the plus strand (A>G on the coding strand, the complement: IL12RB1 is on the minus strand). VCF-style: chr19-18066655-T-C. GRCh37 (hg19) VCF-style: chr19-18177465-T-C.
Other names: c.1370A>G, p.His457Arg (NM_001290023.2); c.1490A>G, p.His497Arg (NM_001290024.2); short protein forms H457R, H497R.
Identifiers: ClinVar variation 838903 (VCV000838903.7), dbSNP rs1287388059, ClinGen allele CA404776758.